The following is an entry in ClinVar:

NM_000256.3(MYBPC3):c.3639C>T (p.Ser1213=)

Gene: MYBPC3 (myosin binding protein C3; minus strand). Cytogenetic location: 11p11.2.
Variant type: single nucleotide variant.
Coding change: c.3639C>T on transcript NM_000256.3 (MANE Select); coding-DNA position 3639, C replaced by T.
Protein change: p.Ser1213=; no amino-acid change (serine 1213 retained).
Molecular consequence: synonymous variant.
Genome position (GRCh38, 1-based): chr11:47,332,247, G>A on the plus strand (C>T on the coding strand, the complement: MYBPC3 is on the minus strand). VCF-style: chr11-47332247-G-A. GRCh37 (hg19) VCF-style: chr11-47353798-G-A.
Identifiers: ClinVar variation 2116797 (VCV002116797.4), dbSNP rs2495736674, ClinGen allele CA474428920.
Genomic context (GRCh38, chr11:47,332,247, plus strand): 5'-CTGCTTGCTGAACATGCGGAAGCGGGCGTCTTCTCCCAGGTCCAGGCCATTCTTGAACCA[G>A]GAAATCTTGGGCTATAAATAAGGTAAAGAGAGGGAGGGAAGCCATCCAGGCTGAGAGGGG-3'
Protein context (NP_000247.2, residues 1203-1223): AVRGSPKPKI[Ser1213=]WFKNGLDLGE

ClinVar aggregate classification (germline): Uncertain significance (1 of 4 stars; one submission).

Conditions:
Hypertrophic cardiomyopathy. Also called: HYPERTROPHIC MYOCARDIOPATHY. Identifiers: Orphanet 217569, MedGen C0007194, MeSH D002312, MONDO:0005045, HP:0001639.

Allele frequency attached by ClinVar (database versions not stated): gnomAD exomes below 0.00001.
gnomAD v4.1: 1 of 1,613,804 alleles (0.000062%); highest among the groups gnomAD compares: Non-Finnish European, 0.000085%; no homozygotes.

Submission:

Labcorp Genetics (formerly Invitae), Labcorp
Classification: Uncertain significance for Hypertrophic cardiomyopathy. Last evaluated: 2023-05-23. Review status: criteria provided, single submitter. Criteria: Invitae Variant Classification Sherloc (09022015). Collection method: clinical testing. Allele origin: germline.
Comment: In summary, the available evidence is currently insufficient to determine the role of this variant in disease. Therefore, it has been classified as a Variant of Uncertain Significance. Algorithms developed to predict the effect of sequence changes on RNA splicing suggest that this variant may create or strengthen a splice site. ClinVar contains an entry for this variant (Variation ID: 2116797). This variant has not been reported in the literature in individuals affected with MYBPC3-related conditions. This variant is not present in population databases (gnomAD no frequency). This sequence change affects codon 1213 of the MYBPC3 mRNA. It is a 'silent' change, meaning that it does not change the encoded amino acid sequence of the MYBPC3 protein.